The following is an entry in ClinVar:

ClinVar aggregate classification (germline): Pathogenic (1 of 4 stars; one submission).

Submission:

Labcorp Genetics (formerly Invitae), Labcorp
Classification: Pathogenic. Last evaluated: 2023-08-10. Review status: criteria provided, single submitter. Criteria: Invitae Variant Classification Sherloc (09022015). Collection method: clinical testing. Allele origin: germline.
Comment: For these reasons, this variant has been classified as Pathogenic. Algorithms developed to predict the effect of sequence changes on RNA splicing suggest that this variant may disrupt the consensus splice site. ClinVar contains an entry for this variant (Variation ID: 2019880). Disruption of this splice site has been observed in individuals with ABCA4-related retinal dystrophy (PMID: 31934596; Invitae). This variant is not present in population databases (gnomAD no frequency). This sequence change affects an acceptor splice site in intron 33 of the ABCA4 gene. It is expected to disrupt RNA splicing. Variants that disrupt the donor or acceptor splice site typically lead to a loss of protein function (PMID: 16199547), and loss-of-function variants in ABCA4 are known to be pathogenic (PMID: 10958761, 24938718, 25312043, 26780318).

Literature cited by the submitters: PubMed 31934596; PubMed 16199547; PubMed 10958761; PubMed 24938718; PubMed 25312043; PubMed 26780318.

NM_000350.3(ABCA4):c.4774-1G>A

Genes: ABCA4 (ATP binding cassette subfamily A member 4; minus strand), LOC126805793 (CDK7 strongly-dependent group 2 enhancer GRCh37_chr1:94486302-94487501; plus strand). Cytogenetic location: 1p22.1.
Variant type: single nucleotide variant.
Coding change: c.4774-1G>A on transcript NM_000350.3 (MANE Select); the canonical splice acceptor site of the intron before coding-DNA position 4774, G replaced by A.
Molecular consequence: splice acceptor variant.
Genome position (GRCh38, 1-based): chr1:94,021,715, C>T on the plus strand (G>A on the coding strand, the complement: ABCA4 is on the minus strand). VCF-style: chr1-94021715-C-T. GRCh37 (hg19) VCF-style: chr1-94487271-C-T.
Identifiers: ClinVar variation 2019880 (VCV002019880.4), dbSNP rs2101023641, ClinGen allele CA341283727.